The following is an entry in ClinVar:

NM_006516.4(SLC2A1):c.514C>T (p.Gln172Ter)

Gene: SLC2A1 (solute carrier family 2 member 1; minus strand). Cytogenetic location: 1p34.2.
Variant type: single nucleotide variant.
Coding change: c.514C>T on transcript NM_006516.4 (MANE Select); coding-DNA position 514, C replaced by T.
Protein change: p.Gln172Ter; replaces glutamine 172 with a stop codon.
Molecular consequence: nonsense.
Genome position (GRCh38, 1-based): chr1:42,930,628, G>A on the plus strand (C>T on the coding strand, the complement: SLC2A1 is on the minus strand). VCF-style: chr1-42930628-G-A. GRCh37 (hg19) VCF-style: chr1-43396299-G-A.
Other names: short protein forms Q172*.
Identifiers: ClinVar variation 3650041 (VCV003650041.2).

ClinVar aggregate classification (germline): Pathogenic (1 of 4 stars; one submission).

Conditions:
GLUT1 deficiency syndrome 1, autosomal recessive. Identifiers: MedGen C3149117.

Submission:

Labcorp Genetics (formerly Invitae), Labcorp
Classification: Pathogenic for GLUT1 deficiency syndrome 1, autosomal recessive. Last evaluated: 2024-04-15. Review status: criteria provided, single submitter. Criteria: Invitae Variant Classification Sherloc (09022015). Collection method: clinical testing. Allele origin: germline.
Comment: This sequence change creates a premature translational stop signal (p.Gln172*) in the SLC2A1 gene. It is expected to result in an absent or disrupted protein product. Loss-of-function variants in SLC2A1 are known to be pathogenic (PMID: 21832227, 26193382). This variant is not present in population databases (gnomAD no frequency). This variant has not been reported in the literature in individuals affected with SLC2A1-related conditions. For these reasons, this variant has been classified as Pathogenic.

Literature cited by the submitters: PubMed 21832227; PubMed 26193382.